The following is an entry in ClinVar:

NM_001165963.4(SCN1A):c.5639G>C (p.Gly1880Ala)

Genes: SCN1A (sodium voltage-gated channel alpha subunit 1; minus strand), LOC102724058 (uncharacterized LOC102724058; plus strand). Cytogenetic location: 2q24.3.
Variant type: single nucleotide variant.
Coding change: c.5639G>C on transcript NM_001165963.4 (MANE Select); coding-DNA position 5639, G replaced by C.
Protein change: p.Gly1880Ala; replaces glycine 1880 with alanine.
Molecular consequence: missense variant. On other transcripts: non-coding transcript variant (1).
Genome position (GRCh38, 1-based): chr2:165,991,636, C>G on the plus strand (G>C on the coding strand, the complement: SCN1A is on the minus strand). VCF-style: chr2-165991636-C-G. GRCh37 (hg19) VCF-style: chr2-166848146-C-G.
Other names: c.5555G>C, p.Gly1852Ala (NM_001165964.3, NM_001353957.2, NM_001353958.2); c.5639G>C, p.Gly1880Ala (NM_001202435.3, NM_001353948.2); c.5606G>C, p.Gly1869Ala (NM_001353949.2, NM_001353950.2, NM_001353951.2 and 2 more transcripts); c.5603G>C, p.Gly1868Ala (NM_001353954.2, NM_001353955.2); c.5552G>C, p.Gly1851Ala (NM_001353960.2); c.3197G>C, p.Gly1066Ala (NM_001353961.2); short protein forms G1066A, G1869A, G1868A, G1851A, G1852A, G1880A.
Identifiers: ClinVar variation 645389 (VCV000645389.2), dbSNP rs201905405, ClinGen allele CA349065042.
Genomic context (GRCh38, chr2:165,991,636, plus strand): 5'-TTGGAAGGATTGGAAGCCATGAATCGCTCTTCCATCTGTATTCGTAGAGCATCCATCTCT[C>G]CACTCTCTCCTAGAACCCGCTTTGTAAAAGCAAATAAGATATCAAGACAGTGGATCCGGT-3'
Protein context (NP_001159435.1, residues 1870-1890): AFTKRVLGES[Gly1880Ala]EMDALRIQME

ClinVar aggregate classification (germline): Uncertain significance (1 of 4 stars; one submission).

Conditions:
Developmental and epileptic encephalopathy. Identifiers: MedGen C5779964, MONDO:0100620.

gnomAD v4.1: 1 of 1,613,902 alleles (0.000062%); highest among the groups gnomAD compares: Non-Finnish European, 0.000085%; no homozygotes.

Submission:

Labcorp Genetics (formerly Invitae), Labcorp
Classification: Uncertain significance for Early infantile epileptic encephalopathy with suppression bursts. Last evaluated: 2018-10-31. Review status: criteria provided, single submitter. Criteria: Invitae Variant Classification Sherloc (09022015). Collection method: clinical testing. Allele origin: germline.
Comment: This sequence change replaces glycine with alanine at codon 1880 of the SCN1A protein (p.Gly1880Ala). The glycine residue is highly conserved and there is a small physicochemical difference between glycine and alanine. This variant is not present in population databases (ExAC no frequency). This variant has not been reported in the literature in individuals with SCN1A-related disease. Algorithms developed to predict the effect of missense changes on protein structure and function (SIFT, PolyPhen-2, Align-GVGD) all suggest that this variant is likely to be disruptive, but these predictions have not been confirmed by published functional studies and their clinical significance is uncertain. In summary, the available evidence is currently insufficient to determine the role of this variant in disease. Therefore, it has been classified as a Variant of Uncertain Significance.